The following is an entry in ClinVar:

ClinVar aggregate classification (germline): Uncertain significance (1 of 4 stars; one submission).

Conditions:
Hyperkalemic periodic paralysis. Also called: Familial hyperkalemic periodic paralysis; Gamstorp disease. Identifiers: Orphanet 682, MedGen C0238357, MONDO:0008224, OMIM 170500, HP:0007215.

Allele frequency attached by ClinVar (database versions not stated): gnomAD exomes 0.00001.

Submission:

Labcorp Genetics (formerly Invitae), Labcorp
Classification: Uncertain significance for Hyperkalemic periodic paralysis. Last evaluated: 2025-04-17. Review status: criteria provided, single submitter. Criteria: Invitae Variant Classification Sherloc (09022015). Collection method: clinical testing. Allele origin: germline.
Comment: This sequence change replaces alanine, which is neutral and non-polar, with threonine, which is neutral and polar, at codon 870 of the SCN4A protein (p.Ala870Thr). This variant is not present in population databases (gnomAD no frequency). This variant has not been reported in the literature in individuals affected with SCN4A-related conditions. ClinVar contains an entry for this variant (Variation ID: 1524231). Invitae Evidence Modeling of protein sequence and biophysical properties (such as structural, functional, and spatial information, amino acid conservation, physicochemical variation, residue mobility, and thermodynamic stability) indicates that this missense variant is not expected to disrupt SCN4A protein function with a negative predictive value of 95%. In summary, the available evidence is currently insufficient to determine the role of this variant in disease. Therefore, it has been classified as a Variant of Uncertain Significance.

NM_000334.4(SCN4A):c.2608G>A (p.Ala870Thr)

Genes: GH-LCR (growth hormone locus control region; plus strand), SCN4A (sodium voltage-gated channel alpha subunit 4; minus strand). Cytogenetic location: 17q23.3.
Variant type: single nucleotide variant.
Coding change: c.2608G>A on transcript NM_000334.4 (MANE Select); coding-DNA position 2608, G replaced by A.
Protein change: p.Ala870Thr; replaces alanine 870 with threonine.
Molecular consequence: missense variant.
Genome position (GRCh38, 1-based): chr17:63,951,669, C>T on the plus strand (G>A on the coding strand, the complement: SCN4A is on the minus strand). VCF-style: chr17-63951669-C-T. GRCh37 (hg19) VCF-style: chr17-62029029-C-T.
Other names: short protein forms A870T.
Identifiers: ClinVar variation 1524231 (VCV001524231.8), dbSNP rs2144786989, ClinGen allele CA400626417.